The following is an entry in ClinVar:

ClinVar aggregate classification (germline): Uncertain significance. Review status: criteria provided, multiple submitters, no conflicts (2 of 4 stars). 2 submissions from 2 submitters: Uncertain significance (2). Last evaluated 2025-05-05.

Conditions:
Hereditary cancer-predisposing syndrome. Also called: Neoplastic Syndromes, Hereditary; Tumor predisposition; Hereditary Cancer Syndrome; Hereditary neoplastic syndrome. Identifiers: Orphanet 140162, MedGen C0027672, MeSH D009386, MONDO:0015356.
Oligodontia-cancer predisposition syndrome. Also called: TOOTH AGENESIS-COLORECTAL CANCER SYNDROME. Identifiers: Orphanet 300576, MedGen C1837750, MONDO:0012075, OMIM 608615. Disease mechanism: loss of function.

Allele frequency attached by ClinVar (database versions not stated): gnomAD exomes below 0.00001; TOPMed below 0.00001.
gnomAD v4.1: 1 of 1,587,050 alleles (0.000063%); highest among the groups gnomAD compares: Non-Finnish European, 0.000086%; no homozygotes.

Submissions (2):

Labcorp Genetics (formerly Invitae), Labcorp
Classification: Uncertain significance for Oligodontia-cancer predisposition syndrome. Last evaluated: 2025-05-05. Review status: criteria provided, single submitter. Criteria: Invitae Variant Classification Sherloc (09022015). Collection method: clinical testing. Allele origin: germline.
Comment: This sequence change replaces glutamic acid, which is acidic and polar, with glycine, which is neutral and non-polar, at codon 415 of the AXIN2 protein (p.Glu415Gly). This variant is not present in population databases (gnomAD no frequency). This variant has not been reported in the literature in individuals affected with AXIN2-related conditions. ClinVar contains an entry for this variant (Variation ID: 464529). Invitae Evidence Modeling of protein sequence and biophysical properties (such as structural, functional, and spatial information, amino acid conservation, physicochemical variation, residue mobility, and thermodynamic stability) indicates that this missense variant is not expected to disrupt AXIN2 protein function with a negative predictive value of 80%. In summary, the available evidence is currently insufficient to determine the role of this variant in disease. Therefore, it has been classified as a Variant of Uncertain Significance.

Ambry Genetics
Classification: Uncertain significance for Hereditary cancer-predisposing syndrome. Last evaluated: 2025-02-01. Review status: criteria provided, single submitter. Criteria: Ambry Variant Classification Scheme 2023. Collection method: clinical testing. Allele origin: germline.
Comment: The p.E415G variant (also known as c.1244A>G), located in coding exon 5 of the AXIN2 gene, results from an A to G substitution at nucleotide position 1244. The glutamic acid at codon 415 is replaced by glycine, an amino acid with similar properties. This amino acid position is not well conserved in available vertebrate species. In addition, this alteration is predicted to be tolerated by in silico analysis. Based on the available evidence, the clinical significance of this variant remains unclear.

NM_004655.4(AXIN2):c.1244A>G (p.Glu415Gly)

Gene: AXIN2 (axin 2; minus strand). Cytogenetic location: 17q24.1.
Variant type: single nucleotide variant.
Coding change: c.1244A>G on transcript NM_004655.4 (MANE Select); coding-DNA position 1244, A replaced by G.
Protein change: p.Glu415Gly; replaces glutamic acid 415 with glycine.
Molecular consequence: missense variant.
Genome position (GRCh38, 1-based): chr17:65,537,792, T>C on the plus strand (A>G on the coding strand, the complement: AXIN2 is on the minus strand). VCF-style: chr17-65537792-T-C. GRCh37 (hg19) VCF-style: chr17-63533910-T-C.
Other names: c.1244A>G (LRG_296t1); c.1244A>G, p.Glu415Gly (NM_001363813.1); short protein forms E415G.
Identifiers: ClinVar variation 464529 (VCV000464529.12), dbSNP rs1170393408, ClinGen allele CA400677890.